The following is an entry in ClinVar:

ClinVar aggregate classification (germline): Uncertain significance (1 of 4 stars; one submission).

gnomAD v4.1: 1 of 1,613,742 alleles (0.000062%); highest among the groups gnomAD compares: South Asian, 0.0011%; no homozygotes.

Submission:

Mayo Clinic Laboratories, Mayo Clinic
Classification: Uncertain significance. Last evaluated: 2024-05-07. Review status: criteria provided, single submitter. Criteria: ACMG Guidelines, 2015. Collection method: clinical testing. Allele origin: germline. Observed: 1 variant allele.
Comment: PM2

NM_153704.6(TMEM67):c.1292G>A (p.Ser431Asn)

Gene: TMEM67 (transmembrane protein 67; plus strand). Cytogenetic location: 8q22.1.
Variant type: single nucleotide variant.
Coding change: c.1292G>A on transcript NM_153704.6 (MANE Select); coding-DNA position 1292, G replaced by A.
Protein change: p.Ser431Asn; replaces serine 431 with asparagine.
Molecular consequence: missense variant. On other transcripts: non-coding transcript variant (1).
Genome position (GRCh38, 1-based): chr8:93,786,226, G>A. VCF-style: chr8-93786226-G-A. GRCh37 (hg19) VCF-style: chr8-94798454-G-A.
Other names: p.Ser431Asn; c.1049G>A, p.Ser350Asn (NM_001142301.1); short protein forms S350N, S431N.
Identifiers: ClinVar variation 3379826 (VCV003379826.1).